The following is an entry in ClinVar:

NM_025114.4(CEP290):c.2053-22A>G

Gene: CEP290 (centrosomal protein 290; minus strand). Cytogenetic location: 12q21.32.
Variant type: single nucleotide variant.
Coding change: c.2053-22A>G on transcript NM_025114.4 (MANE Select); 22 bases into the intron before coding-DNA position 2053, A replaced by G.
Molecular consequence: intron variant.
Genome position (GRCh38, 1-based): chr12:88,111,880, T>C on the plus strand (A>G on the coding strand, the complement: CEP290 is on the minus strand). VCF-style: chr12-88111880-T-C. GRCh37 (hg19) VCF-style: chr12-88505657-T-C.
Identifiers: ClinVar variation 1705689 (VCV001705689.2), dbSNP rs2500769889, ClinGen allele CA2580086729.

ClinVar aggregate classification (germline): Uncertain significance (1 of 4 stars; one submission).

Conditions:
CEP290-related disorder. Also called: CEP290-related condition; CEP290-related disorders. Identifiers: MedGen CN239314.

Submission:

3billion
Classification: Uncertain significance for CEP290-related disorder. Last evaluated: 2024-07-23. Review status: criteria provided, single submitter. Criteria: ACMG Guidelines, 2015. Collection method: clinical testing. Allele origin: germline. Affected: yes.
Comment: The variant is not observed in the gnomAD v4.0.0 dataset. Predicted Consequence/Location: Intron variant In silico tools predict the variant to alter splicing and produce an abnormal transcript [SpliceAI: 0.95 (>=0.2, moderate evidence for spliceogenicity)]. The variant has been reported as of uncertain significance (ClinVar ID: VCV001705689). Therefore, this variant is classified as VUS according to the recommendation of ACMG/AMP guideline.